The following is an entry in ClinVar:

NM_005475.3(SH2B3):c.452C>G (p.Ala151Gly)

Gene: SH2B3 (SH2B adaptor protein 3; plus strand). Cytogenetic location: 12q24.12.
Variant type: single nucleotide variant.
Coding change: c.452C>G on transcript NM_005475.3 (MANE Select); coding-DNA position 452, C replaced by G.
Protein change: p.Ala151Gly; replaces alanine 151 with glycine.
Molecular consequence: missense variant.
Genome position (GRCh38, 1-based): chr12:111,418,597, C>G. VCF-style: chr12-111418597-C-G. GRCh37 (hg19) VCF-style: chr12-111856401-C-G.
Other names: short protein forms A151G.
Identifiers: ClinVar variation 5029470 (VCV005029470.1).

ClinVar aggregate classification (germline): Uncertain significance (1 of 4 stars; one submission).

Conditions:
Inborn genetic diseases. Identifiers: MedGen C0950123, MeSH D030342.

Submission:

Ambry Genetics
Classification: Uncertain significance for Inborn genetic diseases. Last evaluated: 2026-07-13. Review status: criteria provided, single submitter. Criteria: Ambry Variant Classification Scheme 2023. Collection method: clinical testing. Allele origin: germline.
Comment: The p.A151G variant (also known as c.452C>G), located in coding exon 1 of the SH2B3 gene, results from a C to G substitution at nucleotide position 452. The alanine at codon 151 is replaced by glycine, an amino acid with similar properties. This amino acid position is conserved. In addition, this alteration is predicted to be tolerated by in silico analysis. Based on the available evidence, the clinical significance of this variant remains unclear.